The following is an entry in ClinVar:

ClinVar aggregate classification (germline): Uncertain significance. Review status: criteria provided, multiple submitters, no conflicts (2 of 4 stars). 2 submissions from 2 submitters: Uncertain significance (2). Last evaluated 2023-10-04.

Conditions:
Intellectual developmental disorder, X-linked 1. Also called: MENTAL RETARDATION, X-LINKED 18; MENTAL RETARDATION, X-LINKED 78; Intellectual disability, X-linked 1; Atkin Flaitz Patil Smith syndrome. Identifiers: Orphanet 777, MedGen C2931498, MONDO:0010656, OMIM 309530.

Allele frequency attached by ClinVar (database versions not stated): TOPMed 0.00001; gnomAD exomes below 0.00001.

Submissions (2):

GeneDx
Classification: Uncertain significance. Last evaluated: 2023-10-04. Review status: criteria provided, single submitter. Criteria: GeneDx Variant Classification Process June 2021. Collection method: clinical testing. Allele origin: germline. Affected: yes.
Comment: Not observed at significant frequency in large population cohorts (gnomAD); In silico analysis supports that this missense variant does not alter protein structure/function; Has not been previously published as pathogenic or benign to our knowledge

Labcorp Genetics (formerly Invitae), Labcorp
Classification: Uncertain significance for Intellectual developmental disorder, X-linked 1. Last evaluated: 2022-09-03. Review status: criteria provided, single submitter. Criteria: Invitae Variant Classification Sherloc (09022015). Collection method: clinical testing. Allele origin: germline.
Comment: This sequence change replaces arginine, which is basic and polar, with glutamine, which is neutral and polar, at codon 1483 of the IQSEC2 protein (p.Arg1483Gln). In summary, the available evidence is currently insufficient to determine the role of this variant in disease. Therefore, it has been classified as a Variant of Uncertain Significance. Advanced modeling of protein sequence and biophysical properties (such as structural, functional, and spatial information, amino acid conservation, physicochemical variation, residue mobility, and thermodynamic stability) performed at Invitae indicates that this missense variant is not expected to disrupt IQSEC2 protein function. This variant has not been reported in the literature in individuals affected with IQSEC2-related conditions. This variant is not present in population databases (gnomAD no frequency).

NM_001111125.3(IQSEC2):c.4448G>A (p.Arg1483Gln)

Gene: IQSEC2 (IQ motif and Sec7 domain ArfGEF 2; minus strand). Cytogenetic location: Xp11.22.
Variant type: single nucleotide variant.
Coding change: c.4448G>A on transcript NM_001111125.3 (MANE Select); coding-DNA position 4448, G replaced by A.
Protein change: p.Arg1483Gln; replaces arginine 1483 with glutamine.
Molecular consequence: missense variant. On other transcripts: 3 prime UTR variant (1).
Genome position (GRCh38, 1-based): chrX:53,234,238, C>T on the plus strand (G>A on the coding strand, the complement: IQSEC2 is on the minus strand). VCF-style: chrX-53234238-C-T. GRCh37 (hg19) VCF-style: chrX-53263420-C-T.
Other names: c.4448G>A (NM_001111125.1); c.*933G>A (NM_001410736.1, NM_015075.2); short protein forms R1483Q.
Identifiers: ClinVar variation 1718724 (VCV001718724.7), dbSNP rs1208821743, ClinGen allele CA413138110.
Genomic context (GRCh38, chrX:53,234,238, plus strand): 5'-TCCCCAGACTTTCCTGTTCCCCAGCTCACTCTCTCCATTCATCAGACCACGGTGCTGATC[C>T]GGCTTGGCTTGGCCTTGGGGTTTGCACTGGGGGGGTTGGCTGTGCCAGGGGGCCCAGAGG-3'
Protein context (NP_001104595.1, residues 1473-1488): PSANPKAKPS[Arg1483Gln]ISTVV